The following is an entry in ClinVar:

ClinVar aggregate classification (germline): Conflicting classifications of pathogenicity. Review status: criteria provided, conflicting classifications (1 of 4 stars). 5 submissions from 5 submitters: Uncertain significance (2); Likely benign (2). 1 of the submissions does not count toward it. Last evaluated 2025-11-22.

Conditions:
Hereditary cancer-predisposing syndrome. Also called: Hereditary Cancer Syndrome; Tumor predisposition; Hereditary neoplastic syndrome; Neoplastic Syndromes, Hereditary. Identifiers: Orphanet 140162, MedGen C0027672, MeSH D009386, MONDO:0015356.
FH-related disorder. Also called: FH-related condition; FH-related disorders.

Submissions (5):

Labcorp Genetics (formerly Invitae), Labcorp
Classification: Likely benign. Last evaluated: 2025-11-22. Review status: criteria provided, single submitter. Criteria: Invitae Variant Classification Sherloc (09022015). Collection method: clinical testing. Allele origin: germline.

Quest Diagnostics Nichols Institute San Juan Capistrano
Classification: Uncertain significance. Last evaluated: 2023-11-20. Review status: criteria provided, single submitter. Criteria: Quest Diagnostics criteria. Collection method: clinical testing. Allele origin: unknown.
Comment: The FH c.739-7_739-3del variant has not been reported in individuals with FH-related conditions in the published literature. The frequency of this variant in the general population, 0.000024 (3/126600 chromosomes (Genome Aggregation Database)), is uninformative in the assessment of its pathogenicity. Analysis of this variant using software algorithms for the prediction of the effect of nucleotide changes on splicing yielded predictions that this variant does not affect FH mRNA splicing. Based on the available information, we are unable to determine the clinical significance of this variant.

GeneDx
Classification: Uncertain significance. Last evaluated: 2023-10-30. Review status: criteria provided, single submitter. Criteria: GeneDx Variant Classification Process June 2021. Collection method: clinical testing. Allele origin: germline. Affected: yes.
Comment: Has not been previously published as pathogenic or benign to our knowledge; Not observed at significant frequency in large population cohorts (gnomAD); In silico analysis supports that this variant does not alter splicing

Ambry Genetics
Classification: Likely benign for Hereditary cancer-predisposing syndrome. Last evaluated: 2016-12-05. Review status: criteria provided, single submitter. Criteria: Ambry Variant Classification Scheme 2023. Collection method: clinical testing. Allele origin: germline.

PreventionGenetics, part of Exact Sciences
Classification: Likely benign for FH-related condition. Last evaluated: 2024-04-05. Review status: no assertion criteria provided. Collection method: clinical testing. Allele origin: germline. Not counted in ClinVar's aggregate classification.
Comment: This variant is classified as likely benign based on ACMG/AMP sequence variant interpretation guidelines (Richards et al. 2015 PMID: 25741868, with internal and published modifications).

NM_000143.4(FH):c.739-17TTTTC[2]

Gene: FH (fumarate hydratase; minus strand). Cytogenetic location: 1q43.
Variant type: Microsatellite.
Coding change: c.739-17TTTTC[2] on transcript NM_000143.4 (MANE Select); two copies in a row of the 5-base unit TTTTC starting at c.739-17; the reference has three copies in a row; one copy, 5 bases deleted.
Molecular consequence: intron variant.
Genome position (GRCh38, 1-based): chr1:241,506,171-241,506,175, GAAAA deleted on the plus strand (TTTTC on the coding strand, the reverse complement: FH is on the minus strand); deleting any 5 consecutive bases within chr1:241,506,171-241,506,185 gives the same sequence; the position shown is the placement nearest the transcript's 3' end. VCF-style (leftmost placement, unchanged base first): chr1-241506170-TGAAAA-T. GRCh37 (hg19) VCF-style: chr1-241669470-TGAAAA-T.
Other names: c.739-7_739-3del5 (NM_000143.3); c.739-7_739-3del (NM_000143.3).
Identifiers: ClinVar variation 696770 (VCV000696770.20), dbSNP rs745617145, ClinGen allele CA1478616.